The following is an entry in ClinVar:

ClinVar aggregate classification (germline): Uncertain significance (1 of 4 stars; one submission).

Conditions:
Anemia, nonspherocytic hemolytic, due to G6PD deficiency (CNSHA1). Also called: Hemolytic anemia due to G6PD deficiency; Class I glucose-6-phosphate dehydrogenase deficiency; Favism, susceptibility to; ANEMIA, CONGENITAL, NONSPHEROCYTIC HEMOLYTIC, 1. Identifiers: Orphanet 466026, MedGen C2720289, MONDO:0010480, OMIM 300908.

Submission:

Labcorp Genetics (formerly Invitae), Labcorp
Classification: Uncertain significance for Anemia, nonspherocytic hemolytic, due to G6PD deficiency. Last evaluated: 2025-10-29. Review status: criteria provided, single submitter. Criteria: Invitae Variant Classification Sherloc (09022015). Collection method: clinical testing. Allele origin: germline.
Comment: This sequence change affects codon 40 of the G6PD mRNA. It is a 'silent' change, meaning that it does not change the encoded amino acid sequence of the G6PD protein. This variant also falls at the last nucleotide of exon 2, which is part of the consensus splice site for this exon. This variant is present in population databases (rs782139661, gnomAD 0.02%). This variant has not been reported in the literature in individuals affected with G6PD-related conditions. ClinVar contains an entry for this variant (Variation ID: 3714071). Variants that disrupt the consensus splice site are a relatively common cause of aberrant splicing (PMID: 17576681, 9536098). Algorithms developed to predict the effect of sequence changes on RNA splicing suggest that this variant is not likely to affect RNA splicing. In summary, the available evidence is currently insufficient to determine the role of this variant in disease. Therefore, it has been classified as a Variant of Uncertain Significance.

Literature cited by the submitters: PubMed 17576681; PubMed 9536098.

NM_001360016.2(G6PD):c.120G>A (p.Ser40=)

Genes: G6PD (glucose-6-phosphate dehydrogenase; minus strand), IKBKG (inhibitor of nuclear factor kappa B kinase regulatory subunit gamma; plus strand). Cytogenetic location: Xq28.
Variant type: single nucleotide variant.
Coding change: c.120G>A on transcript NM_001360016.2 (MANE Select); coding-DNA position 120, G replaced by A.
Protein change: p.Ser40=; no amino-acid change (serine 40 retained).
Molecular consequence: synonymous variant. On other transcripts: intron variant (4).
Genome position (GRCh38, 1-based): chrX:154,546,036, C>T on the plus strand (G>A on the coding strand, the complement: G6PD is on the minus strand). VCF-style: chrX-154546036-C-T. GRCh37 (hg19) VCF-style: chrX-153774251-C-T.
Other names: c.210G>A, p.Ser70= (NM_000402.4); c.120G>A, p.Ser40= (NM_001042351.3); c.-16+4645C>T (NM_001377312.1, NM_001377313.1); c.189+3584C>T (NM_001099856.6); c.-16+3649C>T (NM_001321396.3).
Identifiers: ClinVar variation 3714071 (VCV003714071.2).